The following is an entry in ClinVar:

NM_000430.4(PAFAH1B1):c.852G>A (p.Trp284Ter)

Gene: PAFAH1B1 (platelet activating factor acetylhydrolase 1b regulatory subunit 1; plus strand). Cytogenetic location: 17p13.3.
Variant type: single nucleotide variant.
Coding change: c.852G>A on transcript NM_000430.4 (MANE Select); coding-DNA position 852, G replaced by A.
Protein change: p.Trp284Ter; replaces tryptophan 284 with a stop codon.
Molecular consequence: nonsense.
Genome position (GRCh38, 1-based): chr17:2,674,240, G>A. VCF-style: chr17-2674240-G-A. GRCh37 (hg19) VCF-style: chr17-2577534-G-A.
Other names: short protein forms W284*.
Identifiers: ClinVar variation 561072 (VCV000561072.7), dbSNP rs1567559851, ClinGen allele CA397642002.

ClinVar aggregate classification (germline): Pathogenic. Review status: criteria provided, multiple submitters, no conflicts (2 of 4 stars). 3 submissions from 3 submitters: Pathogenic (3). Last evaluated 2026-04-05.

Conditions:
Lissencephaly due to LIS1 mutation (LIS1). Also called: PAFAH1B1-Related Lissencephaly/Subcortical Band Heterotopia; Isolated Lissencephaly Sequence; PAFAH1B1-Associated Lissencephaly/Subcortical Band Heterotopia. Identifiers: Orphanet 95232, MedGen C4749301, MONDO:0011830, OMIM 607432.

Submissions (3):

GeneDx
Classification: Pathogenic. Last evaluated: 2026-04-05. Review status: criteria provided, single submitter. Criteria: GeneDx Variant Classification Process June 2021. Collection method: clinical testing. Allele origin: germline.
Comment: Nonsense variant predicted to result in protein truncation or nonsense mediated decay in a gene for which loss of function is a known mechanism of disease; Not observed at significant frequency in large population cohorts (gnomAD); Has not been previously published as pathogenic or benign in a patient with PAFAH1B-related disorder to our knowledge; This variant is associated with the following publications: (PMID: 36100855)

Labcorp Genetics (formerly Invitae), Labcorp
Classification: Pathogenic. Last evaluated: 2022-01-02. Review status: criteria provided, single submitter. Criteria: Invitae Variant Classification Sherloc (09022015). Collection method: clinical testing. Allele origin: germline.
Comment: For these reasons, this variant has been classified as Pathogenic. ClinVar contains an entry for this variant (Variation ID: 561072). This variant has not been reported in the literature in individuals affected with PAFAH1B1-related conditions. This variant is not present in population databases (gnomAD no frequency). This sequence change creates a premature translational stop signal (p.Trp284*) in the PAFAH1B1 gene. It is expected to result in an absent or disrupted protein product. Loss-of-function variants in PAFAH1B1 are known to be pathogenic (PMID: 1671808, 11115846, 14581661).

Baylor Genetics
Classification: Pathogenic for Lissencephaly due to LIS1 mutation. Last evaluated: 2017-09-01. Review status: criteria provided, single submitter. Criteria: ACMG Guidelines, 2015. Collection method: clinical testing. Allele origin: de novo. Inheritance: Autosomal dominant inheritance. Affected: yes.

Literature cited by the submitters: PubMed 1671808 (cited by Labcorp Genetics (formerly Invitae), Labcorp); PubMed 11115846 (cited by Labcorp Genetics (formerly Invitae), Labcorp); PubMed 14581661 (cited by Labcorp Genetics (formerly Invitae), Labcorp); PubMed 25326635 (cited by Baylor Genetics).